The following is an entry in ClinVar:

NM_000077.5(CDKN2A):c.72G>C (p.Arg24=)

Gene: CDKN2A (cyclin dependent kinase inhibitor 2A; minus strand). Cytogenetic location: 9p21.3.
Variant type: single nucleotide variant.
Coding change: c.72G>C on transcript NM_000077.5; coding-DNA position 72, G replaced by C.
Protein change: p.Arg24=; no amino-acid change (arginine 24 retained).
Molecular consequence: synonymous variant (on NM_000077.6). On other transcripts: intron variant (2).
Genome position (GRCh38, 1-based): chr9:21,974,756, C>G on the plus strand (G>C on the coding strand, the complement: CDKN2A is on the minus strand). VCF-style: chr9-21974756-C-G. GRCh37 (hg19) VCF-style: chr9-21974755-C-G.
Other names: c.72G>C, p.Arg24= (NM_000077.6, NM_001195132.2, NM_058197.5); c.-3-3548G>C (NM_001363763.2); c.194-3548G>C (NM_058195.4).
Identifiers: ClinVar variation 1758200 (VCV001758200.3), dbSNP rs1449870708, ClinGen allele CA464100168.

ClinVar aggregate classification (germline): Benign/Likely benign. Review status: criteria provided, multiple submitters, no conflicts (2 of 4 stars). 2 submissions from 2 submitters: Benign (1); Likely benign (1). Last evaluated 2025-08-13.

Conditions:
Hereditary cancer-predisposing syndrome. Also called: Hereditary Cancer Syndrome; Hereditary neoplastic syndrome; Neoplastic Syndromes, Hereditary; Tumor predisposition. Identifiers: Orphanet 140162, MedGen C0027672, MeSH D009386, MONDO:0015356.
Melanoma-pancreatic cancer syndrome. Identifiers: Orphanet 404560, MedGen C1838547, MONDO:0011713, OMIM 606719. Disease mechanism: loss of function.

Submissions (2):

Myriad Genetics, Inc.
Classification: Benign for Melanoma-pancreatic cancer syndrome. Last evaluated: 2025-08-13. Review status: criteria provided, single submitter. Criteria: Myriad Autosomal Dominant, Autosomal Recessive and X-Linked Classification Criteria (2023). Collection method: clinical testing. Allele origin: unknown.
Comment: This variant is considered benign. This variant is a silent/synonymous amino acid change and it is not expected to impact splicing.

Ambry Genetics
Classification: Likely benign for Hereditary cancer-predisposing syndrome. Last evaluated: 2021-08-11. Review status: criteria provided, single submitter. Criteria: Ambry Variant Classification Scheme 2023. Collection method: clinical testing. Allele origin: germline.